The following is an entry in ClinVar:

ClinVar aggregate classification (germline): Pathogenic. Review status: criteria provided, multiple submitters, no conflicts (2 of 4 stars). 2 submissions from 2 submitters: Pathogenic (2). Last evaluated 2026-08-12.

Conditions:
Hereditary cancer-predisposing syndrome. Also called: Neoplastic Syndromes, Hereditary; Tumor predisposition; Hereditary Cancer Syndrome; Hereditary neoplastic syndrome. Identifiers: Orphanet 140162, MedGen C0027672, MeSH D009386, MONDO:0015356.

Submissions (2):

Ambry Genetics
Classification: Pathogenic for Hereditary cancer-predisposing syndrome. Last evaluated: 2026-08-12. Review status: criteria provided, single submitter. Criteria: Ambry Variant Classification Scheme 2023. Collection method: clinical testing. Allele origin: germline.
Comment: The c.237dupT variant, located in coding exon 4 of the BRCA1 gene, results from a duplication of T at nucleotide position 237, causing a translational frameshift with a predicted alternate stop codon (p.S80*). This variant is considered to be rare based on population cohorts in the Genome Aggregation Database (gnomAD). This alteration is expected to result in loss of function by premature protein truncation or nonsense-mediated mRNA decay. As such, this alteration is interpreted as a disease-causing mutation.

Mayo Clinic Laboratories, Mayo Clinic
Classification: Pathogenic. Last evaluated: 2025-05-20. Review status: criteria provided, single submitter. Criteria: ACMG Guidelines, 2015. Collection method: clinical testing. Allele origin: germline. Observed: 2 variant alleles.
Comment: PM2_supporting, PM5_strong, PVS1

NM_007294.4(BRCA1):c.237dup (p.Ser80Ter)

Gene: BRCA1 (BRCA1 DNA repair associated; minus strand). Cytogenetic location: 17q21.31.
Variant type: Duplication.
Coding change: c.237dup on transcript NM_007294.4 (MANE Select); coding-DNA position 237, one base duplicated (T; older notation c.237dupT).
Protein change: p.Ser80Ter; replaces serine 80 with a stop codon.
Molecular consequence: nonsense. On other transcripts: 5 prime UTR variant (7), intron variant (2).
Genome position (GRCh38, 1-based): chr17:43,104,932, A duplicated on the plus strand (T on the coding strand, the reverse complement: BRCA1 is on the minus strand); the first of 3 consecutive A bases (chr17:43,104,932-43,104,934); duplicating any one gives the same sequence. VCF-style (leftmost placement, unchanged base first): chr17-43104931-T-TA. GRCh37 (hg19) VCF-style: chr17-41256948-T-TA.
Other names: p.Ser80*; c.237dupT (NM_007294.3); c.237dup, p.Ser80Ter (NM_001408407.1, NM_001408408.1, NM_001407919.1 and 167 more transcripts); c.159dup, p.Ser54Ter (NM_001408409.1, NM_001407662.1, NM_001407663.1 and 21 more transcripts); c.27dup, p.Ser10Ter (NM_001407916.1, NM_001407917.1, NM_001407918.1 and 58 more transcripts); c.96dup, p.Ser33Ter (NM_001407920.1, NM_001407921.1, NM_001407922.1 and 99 more transcripts); c.-145dup (NM_001407959.1, NM_001407960.1, NM_001407962.1 and 4 more transcripts); c.-218-10072dup (NM_001407967.1, NM_001407966.1); and 1 more; short protein forms S54*, S10*, S36*, S80*, S33*.
Identifiers: ClinVar variation 4542159 (VCV004542159.2).